The following is an entry in ClinVar:

ClinVar aggregate classification (germline): Uncertain significance (1 of 4 stars; one submission).

Allele frequency attached by ClinVar (database versions not stated): gnomAD 0.00001; gnomAD exomes 0.00004; TOPMed 0.00005; ExAC 0.00007.

Submission:

Labcorp Genetics (formerly Invitae), Labcorp
Classification: Uncertain significance. Last evaluated: 2025-10-14. Review status: criteria provided, single submitter. Criteria: Invitae Variant Classification Sherloc (09022015). Collection method: clinical testing. Allele origin: germline.
Comment: This sequence change replaces arginine, which is basic and polar, with glutamine, which is neutral and polar, at codon 541 of the POC5 protein (p.Arg541Gln). This variant is present in population databases (rs747754016, gnomAD 0.03%). This variant has not been reported in the literature in individuals affected with POC5-related conditions. ClinVar contains an entry for this variant (Variation ID: 2176446). An algorithm developed to predict the effect of missense changes on protein structure and function (PolyPhen-2) suggests that this variant is likely to be disruptive. In summary, the available evidence is currently insufficient to determine the role of this variant in disease. Therefore, it has been classified as a Variant of Uncertain Significance.

NM_001099271.2(POC5):c.1622G>A (p.Arg541Gln)

Gene: POC5 (POC5 centriolar protein; minus strand). Cytogenetic location: 5q13.3.
Variant type: single nucleotide variant.
Coding change: c.1622G>A on transcript NM_001099271.2 (MANE Select); coding-DNA position 1622, G replaced by A.
Protein change: p.Arg541Gln; replaces arginine 541 with glutamine.
Molecular consequence: missense variant.
Genome position (GRCh38, 1-based): chr5:75,674,541, C>T on the plus strand (G>A on the coding strand, the complement: POC5 is on the minus strand). VCF-style: chr5-75674541-C-T. GRCh37 (hg19) VCF-style: chr5-74970366-C-T.
Other names: c.1547G>A, p.Arg516Gln (NM_152408.3); short protein forms R516Q, R541Q.
Identifiers: ClinVar variation 2176446 (VCV002176446.4), dbSNP rs747754016, ClinGen allele CA3310270.